The following is an entry in ClinVar:

ClinVar aggregate classification (germline): Uncertain significance. Review status: criteria provided, multiple submitters, no conflicts (2 of 4 stars). 2 submissions from 2 submitters: Uncertain significance (2). Last evaluated 2025-09-22.

Conditions:
Cardiovascular phenotype. Identifiers: MedGen CN230736.

Allele frequency attached by ClinVar (database versions not stated): gnomAD exomes 0.00001; ExAC 0.00002; gnomAD 0.00001; TOPMed 0.00001.
gnomAD v4.1: 8 of 1,613,858 alleles (0.0005%); highest among the groups gnomAD compares: Non-Finnish European, 0.00068%; no homozygotes.

Submissions (2):

Mayo Clinic Laboratories, Mayo Clinic
Classification: Uncertain significance. Last evaluated: 2025-09-22. Review status: criteria provided, single submitter. Criteria: ACMG Guidelines, 2015. Collection method: clinical testing. Allele origin: germline. Observed: 1 variant allele.
Comment: BP4_moderate

Ambry Genetics
Classification: Uncertain significance for Cardiovascular phenotype. Last evaluated: 2024-11-05. Review status: criteria provided, single submitter. Criteria: Ambry Variant Classification Scheme 2023. Collection method: clinical testing. Allele origin: germline.
Comment: The p.R4446T variant (also known as c.13337G>C), located in coding exon 29 of the APOB gene, results from a G to C substitution at nucleotide position 13337. The arginine at codon 4446 is replaced by threonine, an amino acid with similar properties. This amino acid position is conserved. In addition, this alteration is predicted to be tolerated by in silico analysis. Based on the available evidence, the clinical significance of this variant remains unclear.

NM_000384.3(APOB):c.13337G>C (p.Arg4446Thr)

Gene: APOB (apolipoprotein B; minus strand). Cytogenetic location: 2p24.1.
Variant type: single nucleotide variant.
Coding change: c.13337G>C on transcript NM_000384.3 (MANE Select); coding-DNA position 13337, G replaced by C.
Protein change: p.Arg4446Thr; replaces arginine 4446 with threonine.
Molecular consequence: missense variant.
Genome position (GRCh38, 1-based): chr2:21,002,085, C>G on the plus strand (G>C on the coding strand, the complement: APOB is on the minus strand). VCF-style: chr2-21002085-C-G. GRCh37 (hg19) VCF-style: chr2-21224957-C-G.
Other names: p.Arg4446Thr; short protein forms R4446T.
Identifiers: ClinVar variation 3415267 (VCV003415267.2), dbSNP rs769871675.